The following is an entry in ClinVar:

NM_080680.3(COL11A2):c.1861C>A (p.Pro621Thr)

Gene: COL11A2 (collagen type XI alpha 2 chain; minus strand). Cytogenetic location: 6p21.32.
Variant type: single nucleotide variant.
Coding change: c.1861C>A on transcript NM_080680.3 (MANE Select); coding-DNA position 1861, C replaced by A.
Protein change: p.Pro621Thr; replaces proline 621 with threonine.
Molecular consequence: missense variant.
Genome position (GRCh38, 1-based): chr6:33,178,143, G>T on the plus strand (C>A on the coding strand, the complement: COL11A2 is on the minus strand). VCF-style: chr6-33178143-G-T. GRCh37 (hg19) VCF-style: chr6-33145920-G-T.
Other names: c.1540C>A, p.Pro514Thr (NM_080679.3); c.1603C>A, p.Pro535Thr (NM_080681.3); short protein forms P621T, P514T, P535T.
Identifiers: ClinVar variation 17129 (VCV000017129.68), dbSNP rs121912952, ClinGen allele CA212599.

ClinVar aggregate classification (germline): Conflicting classifications of pathogenicity. Review status: criteria provided, conflicting classifications (1 of 4 stars). 11 submissions from 11 submitters: Pathogenic (2); Likely pathogenic (2); Uncertain significance (6). 1 of the submissions does not count toward it. Last evaluated 2026-08-01.

Conditions:
COL11A2-related disorder. Also called: COL11A2-related condition; COL11A2-related disorders.
Otospondylomegaepiphyseal dysplasia, autosomal dominant (OSMEDA). Also called: Stickler syndrome, type 3; Pierre Robin syndrome with fetal chondrodysplasia; COL11A2-Related Stickler Syndrome. Identifiers: Orphanet 166100, Orphanet 3450, MedGen C1848488, MONDO:0008490, OMIM 184840.
Fibrochondrogenesis 2 (FBCG2). Identifiers: Orphanet 2021, MedGen C3281128, MONDO:0013795, OMIM 614524.
Otospondylomegaepiphyseal dysplasia, autosomal recessive (OSMEDB). Also called: Insley-Astley syndrome; CHONDRODYSTROPHY WITH SENSORINEURAL DEAFNESS. Identifiers: Orphanet 1427, MedGen CN034493, MONDO:0044206, OMIM 215150.
Autosomal dominant nonsyndromic hearing loss 13. Identifiers: Orphanet 90635, MedGen C1866095, MONDO:0011159, OMIM 601868.
Autosomal recessive nonsyndromic hearing loss 53. Identifiers: Orphanet 90636, MedGen C1864746, MONDO:0012333, OMIM 609706.
Hearing impairment. Also called: Impaired Hearing. Identifiers: MedGen C1384666, MONDO:0005365, HP:0000365.

Allele frequency attached by ClinVar (database versions not stated): gnomAD 0.00004 and 0.00005; TOPMed 0.00005; gnomAD exomes 0.00009; ExAC 0.00013.
gnomAD v4.1: 143 of 1,609,686 alleles (0.0089%); highest among the groups gnomAD compares: Middle Eastern, 0.066%; 1 homozygote.

Submissions (11):

GeneDx
Classification: Uncertain significance. Last evaluated: 2026-08-01. Review status: criteria provided, single submitter. Criteria: GeneDx Variant Classification Process June 2021. Collection method: clinical testing. Allele origin: germline.
Comment: Reported in the homozygous state in five relatives from a consanguineous family with non-syndromic hearing loss (PMID: 16033917); In silico analysis supports that this missense variant has a deleterious effect on protein structure/function; This variant is associated with the following publications: (PMID: 34426522, 16033917, 25633957, 39161163)

PreventionGenetics, part of Exact Sciences
Classification: Uncertain significance for COL11A2-related condition. Last evaluated: 2025-11-07. Review status: criteria provided, single submitter. Criteria: ACMG Guidelines, 2015. Collection method: clinical testing. Allele origin: germline.
Comment: The COL11A2 c.1861C>A variant is predicted to result in the amino acid substitution p.Pro621Thr. This variant has been reported in the homozygous state in five relatives with autosomal recessive non-syndromic hearing loss (Chen et al. 2005. PubMed ID: 16033917). This variant is reported in 0.043% of alleles in individuals of South Asian descent in gnomAD, including one likely homozygous individual. Although we suspect that this variant may be pathogenic, at this time, the clinical significance of this variant is uncertain due to the absence of conclusive functional and genetic evidence.

Labcorp Genetics (formerly Invitae), Labcorp
Classification: Pathogenic. Last evaluated: 2025-10-15. Review status: criteria provided, single submitter. Criteria: Invitae Variant Classification Sherloc (09022015). Collection method: clinical testing. Allele origin: germline.
Comment: This sequence change replaces proline, which is neutral and non-polar, with threonine, which is neutral and polar, at codon 621 of the COL11A2 protein (p.Pro621Thr). This variant is present in population databases (rs121912952, gnomAD 0.04%). This missense change has been observed in individual(s) with autosomal recessive non-syndromic deafness (PMID: 16033917). It has also been observed to segregate with disease in related individuals. ClinVar contains an entry for this variant (Variation ID: 17129). Invitae Evidence Modeling of protein sequence and biophysical properties (such as structural, functional, and spatial information, amino acid conservation, physicochemical variation, residue mobility, and thermodynamic stability) indicates that this missense variant is not expected to disrupt COL11A2 protein function with a negative predictive value of 95%. For these reasons, this variant has been classified as Pathogenic.

Foundation for Research in Genetics and Endocrinology, FRIGE's Institute of Human Genetics
Classification: Uncertain significance for Fibrochondrogenesis 2. Last evaluated: 2024-09-24. Review status: criteria provided, single submitter. Criteria: ACMG Guidelines, 2015. Collection method: clinical testing. Allele origin: germline. Inheritance: Autosomal dominant inheritance. Affected: yes. Observed: 1 heterozygote.
Comment: A heterozygous variant in exon 21 of the COL11A2 gene that results in the amino acid substitution of Threonine for Prolin at codon 621 was detected. The observed variant c.1861C>A (p.Pro621Thr) has not found in the 1000 genomes and has minor allele frequency of 0.008% and 0.005% in the gnomAD (V2.1) and gnomAD (V3.1) databases respectively. The in silico prediction of the variant is probably damaging by PolyPhen-2, SIFT, LRT and MutationTaster2. In summary, the variant meets our criteria to be classified as a variant of uncertain significance.

Blueprint Genetics
Classification: Likely pathogenic for COL11A2-related disorders. Last evaluated: 2024-07-12. Review status: criteria provided, single submitter. Criteria: ACMG Guidelines, 2015. Collection method: clinical testing. Allele origin: germline. Affected: yes. Observed: 5 variant alleles.

Fulgent Genetics
Classification: Pathogenic for Otospondylomegaepiphyseal dysplasia, autosomal dominant; Otospondylomegaepiphyseal dysplasia, autosomal recessive; Autosomal dominant nonsyndromic hearing loss 13; Autosomal recessive nonsyndromic hearing loss 53; Fibrochondrogenesis 2. Last evaluated: 2024-04-02. Review status: criteria provided, single submitter. Criteria: ACMG Guidelines, 2015. Collection method: clinical testing. Allele origin: germline.

CeGaT Center for Human Genetics Tuebingen
Classification: Likely pathogenic. Last evaluated: 2023-05-01. Review status: criteria provided, single submitter. Criteria: CeGaT Center For Human Genetics Tuebingen Variant Classification Criteria Version 2. Collection method: clinical testing. Allele origin: germline. Affected: yes. Observed: 2 variant alleles.
Comment: COL11A2: PP1:Strong, PM2

MGZ Medical Genetics Center
Classification: Uncertain significance for Autosomal recessive nonsyndromic hearing loss 53. Last evaluated: 2022-02-01. Review status: criteria provided, single submitter. Criteria: ACMG Guidelines, 2015. Collection method: clinical testing. Allele origin: germline. Affected: yes. Observed: 2 variant alleles.
Comment: ACMG criteria applied: PM3, PM2_SUP, PP1, PP3

Department of Otolaryngology – Head & Neck Surgery, Cochlear Implant Center
Classification: Uncertain significance for Hearing impairment. Last evaluated: 2021-04-12. Review status: criteria provided, single submitter. Criteria: ClinGen HL ACMG Specifications v1. Collection method: clinical testing. Allele origin: germline. Affected: yes.
Comment: PS1_Moderate, PM2_Moderate

Laboratory for Molecular Medicine, Mass General Brigham Personalized Medicine
Classification: Uncertain significance. Last evaluated: 2016-03-08. Review status: criteria provided, single submitter. Criteria: LMM Criteria. Collection method: clinical testing. Allele origin: germline. Observed: 2 variant alleles.
Comment: Variant classified as Uncertain Significance - Favor Pathogenic. This variant has also b een identified in 10/14172 South Asian chromosomes by the Exome Aggregation Cons ortium (ExAC; dbSNP rs121912952). Although this variant has been seen in the general population, its frequency is low enough to be consistent with a recessive carrier frequency. Computational prediction tools and conservation analyses suggest that the p.Pro621Thr variant may impact the p rotein, though this information is not predictive enough to determine pathogenic ity. However, there is limited data associating variants in the COL11A2 gene wit h autosomal recessive nonsyndromic hearing loss. Only three consanguineous famil ies with homozygous variants in COL11A2 have been described, including the famil y described above with the p.Pro621THr variant. In addition, there is limited da ta of the general populations from which these families are from (Iranian, Tunis ian, and Turkish; Chen 2005, Chakchouk 2015). In summary, although there is some suspicion for a pathogenic role, the clinical significance of this variant is u ncertain.

OMIM
Classification: Pathogenic for DEAFNESS, AUTOSOMAL RECESSIVE 53. Last evaluated: 2005-10-01. Review status: no assertion criteria provided. Collection method: literature only. Allele origin: germline. Not counted in ClinVar's aggregate classification.

Literature cited by the submitters: PubMed 16033917 (cited by 4 submitters); PubMed 25633957 (cited by Department of Otolaryngology – Head & Neck Surgery, Cochlear Implant Center and Laboratory for Molecular Medicine, Mass General Brigham Personalized Medicine).